The following is an entry in ClinVar:

ClinVar aggregate classification (germline): Uncertain significance (1 of 4 stars; one submission).

Conditions:
Dilated cardiomyopathy 1HH (CMD1HH). Identifiers: Orphanet 154, MedGen C3151293, MONDO:0013479, OMIM 613881.
Myofibrillar myopathy 6. Identifiers: Orphanet 199340, MedGen C2751831, MONDO:0013061, OMIM 612954.

Submission:

Labcorp Genetics (formerly Invitae), Labcorp
Classification: Uncertain significance for Dilated cardiomyopathy 1HH; Myofibrillar myopathy 6. Last evaluated: 2023-07-20. Review status: criteria provided, single submitter. Criteria: Invitae Variant Classification Sherloc (09022015). Collection method: clinical testing. Allele origin: germline.
Comment: In summary, the available evidence is currently insufficient to determine the role of this variant in disease. Therefore, it has been classified as a Variant of Uncertain Significance. This variant has not been reported in the literature in individuals affected with BAG3-related conditions. Advanced modeling of protein sequence and biophysical properties (such as structural, functional, and spatial information, amino acid conservation, physicochemical variation, residue mobility, and thermodynamic stability) performed at Invitae indicates that this missense variant is not expected to disrupt BAG3 protein function. This variant is not present in population databases (gnomAD no frequency). This sequence change replaces valine, which is neutral and non-polar, with phenylalanine, which is neutral and non-polar, at codon 299 of the BAG3 protein (p.Val299Phe).

NM_004281.4(BAG3):c.895G>T (p.Val299Phe)

Gene: BAG3 (BAG cochaperone 3; plus strand). Cytogenetic location: 10q26.11.
Variant type: single nucleotide variant.
Coding change: c.895G>T on transcript NM_004281.4 (MANE Select); coding-DNA position 895, G replaced by T.
Protein change: p.Val299Phe; replaces valine 299 with phenylalanine.
Molecular consequence: missense variant.
Genome position (GRCh38, 1-based): chr10:119,672,642, G>T. VCF-style: chr10-119672642-G-T. GRCh37 (hg19) VCF-style: chr10-121432154-G-T.
Other names: short protein forms V299F.
Identifiers: ClinVar variation 2946905 (VCV002946905.3), dbSNP rs2494014897, ClinGen allele CA378296120.